The following is an entry in ClinVar:

NM_002292.4(LAMB2):c.2661C>A (p.Asn887Lys)

Gene: LAMB2 (laminin subunit beta 2; minus strand). Cytogenetic location: 3p21.31.
Variant type: single nucleotide variant.
Coding change: c.2661C>A on transcript NM_002292.4 (MANE Select); coding-DNA position 2661, C replaced by A.
Protein change: p.Asn887Lys; replaces asparagine 887 with lysine.
Molecular consequence: missense variant.
Genome position (GRCh38, 1-based): chr3:49,125,312, G>T on the plus strand (C>A on the coding strand, the complement: LAMB2 is on the minus strand). VCF-style: chr3-49125312-G-T. GRCh37 (hg19) VCF-style: chr3-49162745-G-T.
Other names: short protein forms N887K.
Identifiers: ClinVar variation 1366635 (VCV001366635.8), dbSNP rs1461585400, ClinGen allele CA352718433.

ClinVar aggregate classification (germline): Uncertain significance (1 of 4 stars; one submission).

Conditions:
Pierson syndrome. Also called: MICROCORIA-CONGENITAL NEPHROTIC SYNDROME. Identifiers: Orphanet 2670, MedGen C1836876, MONDO:0012184, OMIM 609049.
LAMB2-related infantile-onset nephrotic syndrome. Also called: Nephrotic Syndrome, type 5; NEPHROTIC SYNDROME, TYPE 5, WITHOUT OCULAR ABNORMALITIES; NEPHROTIC SYNDROME, TYPE 5, WITH OCULAR ABNORMALITIES. Identifiers: Orphanet 306507, MedGen C3280113, MONDO:0013621, OMIM 614199.

Allele frequency attached by ClinVar (database versions not stated): gnomAD 0.00001; TOPMed 0.00002.
gnomAD v4.1: 1 of 1,613,892 alleles (0.000062%); highest among the groups gnomAD compares: Admixed American, 0.0017%; no homozygotes.

Submission:

Labcorp Genetics (formerly Invitae), Labcorp
Classification: Uncertain significance for LAMB2-related infantile-onset nephrotic syndrome; Pierson syndrome. Last evaluated: 2022-09-07. Review status: criteria provided, single submitter. Criteria: Invitae Variant Classification Sherloc (09022015). Collection method: clinical testing. Allele origin: germline.
Comment: In summary, the available evidence is currently insufficient to determine the role of this variant in disease. Therefore, it has been classified as a Variant of Uncertain Significance. Algorithms developed to predict the effect of missense changes on protein structure and function are either unavailable or do not agree on the potential impact of this missense change (SIFT: "Deleterious"; PolyPhen-2: "Benign"; Align-GVGD: "Class C35"). ClinVar contains an entry for this variant (Variation ID: 1366635). This variant has not been reported in the literature in individuals affected with LAMB2-related conditions. This variant is not present in population databases (gnomAD no frequency). This sequence change replaces asparagine, which is neutral and polar, with lysine, which is basic and polar, at codon 887 of the LAMB2 protein (p.Asn887Lys).